The following is an entry in ClinVar:

ClinVar aggregate classification (germline): Uncertain significance (1 of 4 stars; one submission).

Allele frequency attached by ClinVar (database versions not stated): TOPMed 0.00001.
gnomAD v4.1: 5 of 1,614,202 alleles (0.00031%); highest among the groups gnomAD compares: South Asian, 0.0011%; no homozygotes.

Submission:

Labcorp Genetics (formerly Invitae), Labcorp
Classification: Uncertain significance. Last evaluated: 2021-08-12. Review status: criteria provided, single submitter. Criteria: Invitae Variant Classification Sherloc (09022015). Collection method: clinical testing. Allele origin: germline.
Comment: This sequence change replaces arginine with cysteine at codon 84 of the EXTL3 protein (p.Arg84Cys). The arginine residue is highly conserved and there is a large physicochemical difference between arginine and cysteine. This variant is not present in population databases (ExAC no frequency). This variant has not been reported in the literature in individuals with EXTL3-related conditions. Algorithms developed to predict the effect of missense changes on protein structure and function are either unavailable or do not agree on the potential impact of this missense change (SIFT: "Deleterious"; PolyPhen-2: "Probably Damaging"; Align-GVGD: "Class C0"). In summary, the available evidence is currently insufficient to determine the role of this variant in disease. Therefore, it has been classified as a Variant of Uncertain Significance.

NM_001440.4(EXTL3):c.250C>T (p.Arg84Cys)

Gene: EXTL3 (exostosin like glycosyltransferase 3; plus strand). Cytogenetic location: 8p21.1.
Variant type: single nucleotide variant.
Coding change: c.250C>T on transcript NM_001440.4 (MANE Select); coding-DNA position 250, C replaced by T.
Protein change: p.Arg84Cys; replaces arginine 84 with cysteine.
Molecular consequence: missense variant.
Genome position (GRCh38, 1-based): chr8:28,716,309, C>T. VCF-style: chr8-28716309-C-T. GRCh37 (hg19) VCF-style: chr8-28573826-C-T.
Other names: short protein forms R84C.
Identifiers: ClinVar variation 1510518 (VCV001510518.8), dbSNP rs1801145430, ClinGen allele CA370853759.
Genomic context (GRCh38, chr8:28,716,309, plus strand): 5'-ATTTTTGGTCCCCGGGTGGGGAACGAGCTGTGCGAGGTGAAGCACGTGCTGGATCTGTGC[C>T]GCATCCGGGAGTCGGTGAGTGAAGAGCTCCTGCAGCTGGAGGCCAAGCGCCAAGAGCTGA-3'
Protein context (NP_001431.1, residues 74-94): CEVKHVLDLC[Arg84Cys]IRESVSEELL